The following is an entry in ClinVar:

ClinVar aggregate classification (germline): Uncertain significance (1 of 4 stars; one submission).

Conditions:
Lissencephaly due to TUBA1A mutation (CDCBM16). Also called: Lissencephaly 3; CORTICAL DYSPLASIA, COMPLEX, WITH OTHER BRAIN MALFORMATIONS 16. Identifiers: Orphanet 171680, MedGen C4305153, MONDO:0012703, OMIM 611603.

Submission:

Broad Center for Mendelian Genomics, Broad Institute of MIT and Harvard
Classification: Uncertain significance for Lissencephaly due to TUBA1A mutation. Last evaluated: 2024-05-22. Review status: criteria provided, single submitter. Criteria: ACMG Guidelines, 2015. Collection method: curation. Allele origin: germline. Inheritance: Autosomal dominant inheritance.
Comment: Trio exome analysis showed this variant to be de novo. The variant has not been previously reported in individuals with lissencephaly 3, and was absent from large population studies. Computational prediction tools and conservation analyses suggest that this variant may impact the protein, though this information is not predictive enough to determine pathogenicity. The number of missense variants reported in TUBA1A in the general population is lower than expected, suggesting there is little benign variation in this gene and slightly increasing the possibility that a missense variant in this gene may not be tolerated. In summary, the clinical significance of the p.Phe141Val variant is uncertain. ACMG/AMP Criteria applied: PS2_Supporting, PM2_Supporting, PP3, PP2 (Richards 2015).

NM_006009.4(TUBA1A):c.421T>G (p.Phe141Val)

Gene: TUBA1A (tubulin alpha 1a; minus strand). Cytogenetic location: 12q13.12.
Variant type: single nucleotide variant.
Coding change: c.421T>G on transcript NM_006009.4 (MANE Select); coding-DNA position 421, T replaced by G.
Protein change: p.Phe141Val; replaces phenylalanine 141 with valine.
Molecular consequence: missense variant.
Genome position (GRCh38, 1-based): chr12:49,185,945, A>C on the plus strand (T>G on the coding strand, the complement: TUBA1A is on the minus strand). VCF-style: chr12-49185945-A-C. GRCh37 (hg19) VCF-style: chr12-49579728-A-C.
Other names: NM_001270400.2:c.316T>G; c.421T>G, p.Phe141Val (NM_001270399.2); c.316T>G, p.Phe106Val (NM_001270400.2); short protein forms F106V, F141V.
Identifiers: ClinVar variation 3236674 (VCV003236674.1), dbSNP rs2498861260, ClinGen allele CA384642699.